The following is an entry in ClinVar:

NM_000748.3(CHRNB2):c.1A>T (p.Met1Leu)

Genes: CHRNB2 (cholinergic receptor nicotinic beta 2 subunit; plus strand), LOC129931511 (ATAC-STARR-seq lymphoblastoid silent region 1363; plus strand). Cytogenetic location: 1q21.3.
Variant type: single nucleotide variant.
Coding change: c.1A>T on transcript NM_000748.3 (MANE Select); coding-DNA position 1, A replaced by T.
Protein change: p.Met1Leu; changes the start codon (methionine 1).
Molecular consequence: missense variant, initiator codon variant.
Genome position (GRCh38, 1-based): chr1:154,568,045, A>T. VCF-style: chr1-154568045-A-T. GRCh37 (hg19) VCF-style: chr1-154540521-A-T.
Other names: short protein forms M1L.
Identifiers: ClinVar variation 1409085 (VCV001409085.6), dbSNP rs2149365728, ClinGen allele CA342629031.

ClinVar aggregate classification (germline): Uncertain significance (1 of 4 stars; one submission).

Conditions:
Familial sleep-related hypermotor epilepsy. Also called: Autosomal Dominant Sleep-Related Hypermotor (Hyperkinetic) Epilepsy. Identifiers: Orphanet 98784, MedGen C3696898, MONDO:0000030.

Submission:

Labcorp Genetics (formerly Invitae), Labcorp
Classification: Uncertain significance. Last evaluated: 2022-02-08. Review status: criteria provided, single submitter. Criteria: Invitae Variant Classification Sherloc (09022015). Collection method: clinical testing. Allele origin: germline.
Comment: In summary, the available evidence is currently insufficient to determine the role of this variant in disease. Therefore, it has been classified as a Variant of Uncertain Significance. Experimental studies and prediction algorithms are not available or were not evaluated, and the functional significance of this variant is currently unknown. This variant has not been reported in the literature in individuals affected with CHRNB2-related conditions. This variant is not present in population databases (gnomAD no frequency). This sequence change affects the initiator methionine of the CHRNB2 mRNA. The next in-frame methionine is located at codon 61.